The following is an entry in ClinVar:

ClinVar aggregate classification (germline): Uncertain significance. Review status: criteria provided, multiple submitters, no conflicts (2 of 4 stars). 2 submissions from 2 submitters: Uncertain significance (2). Last evaluated 2024-11-04.

Conditions:
Inborn genetic diseases. Identifiers: MedGen C0950123, MeSH D030342.

Allele frequency attached by ClinVar (database versions not stated): gnomAD exomes 0.00002; ExAC 0.00003; TOPMed 0.00003; gnomAD 0.00004.

Submissions (2):

Labcorp Genetics (formerly Invitae), Labcorp
Classification: Uncertain significance. Last evaluated: 2024-11-04. Review status: criteria provided, single submitter. Criteria: Invitae Variant Classification Sherloc (09022015). Collection method: clinical testing. Allele origin: germline.
Comment: This sequence change replaces threonine, which is neutral and polar, with isoleucine, which is neutral and non-polar, at codon 19 of the CEP63 protein (p.Thr19Ile). This variant is present in population databases (rs772285151, gnomAD 0.004%). This variant has not been reported in the literature in individuals affected with CEP63-related conditions. ClinVar contains an entry for this variant (Variation ID: 2194538). Invitae Evidence Modeling of protein sequence and biophysical properties (such as structural, functional, and spatial information, amino acid conservation, physicochemical variation, residue mobility, and thermodynamic stability) indicates that this missense variant is not expected to disrupt CEP63 protein function with a negative predictive value of 80%. In summary, the available evidence is currently insufficient to determine the role of this variant in disease. Therefore, it has been classified as a Variant of Uncertain Significance.

Ambry Genetics
Classification: Uncertain significance for Inborn genetic diseases. Last evaluated: 2023-06-02. Review status: criteria provided, single submitter. Criteria: Ambry Variant Classification Scheme 2023. Collection method: clinical testing. Allele origin: germline.

NM_001353108.3(CEP63):c.56C>T (p.Thr19Ile)

Gene: CEP63 (centrosomal protein 63; plus strand). Cytogenetic location: 3q22.2.
Variant type: single nucleotide variant.
Coding change: c.56C>T on transcript NM_001353108.3 (MANE Select); coding-DNA position 56, C replaced by T.
Protein change: p.Thr19Ile; replaces threonine 19 with isoleucine.
Molecular consequence: missense variant. On other transcripts: 5 prime UTR variant (2), non-coding transcript variant (4).
Genome position (GRCh38, 1-based): chr3:134,507,120, C>T. VCF-style: chr3-134507120-C-T. GRCh37 (hg19) VCF-style: chr3-134225962-C-T.
Other names: c.56C>T (NM_025180.3); c.56C>T, p.Thr19Ile (NM_001042383.2, NM_001042384.2, NM_001042400.3 and 13 more transcripts); c.83C>T, p.Thr28Ile (NM_001353118.1); c.-29C>T (NM_001353125.2); c.-326C>T (NM_001353126.2); short protein forms T19I, T28I.
Identifiers: ClinVar variation 2194538 (VCV002194538.5), dbSNP rs772285151, ClinGen allele CA2628253.